The following is an entry in ClinVar:

ClinVar aggregate classification (germline): Uncertain significance. Review status: criteria provided, multiple submitters, no conflicts (2 of 4 stars). 2 submissions from 2 submitters: Uncertain significance (2). Last evaluated 2024-02-23.

Conditions:
Hepatic veno-occlusive disease-immunodeficiency syndrome. Also called: Hepatic Veno-Occlusive Disease with Immunodeficiency. Identifiers: Orphanet 79124, MedGen C1856128, MONDO:0009338, OMIM 235550. Disease mechanism: loss of function.
Mycobacterium tuberculosis, susceptibility to. Identifiers: MedGen C1834752, OMIM 607948.

Submissions (2):

Labcorp Genetics (formerly Invitae), Labcorp
Classification: Uncertain significance for Hepatic veno-occlusive disease-immunodeficiency syndrome. Last evaluated: 2024-02-23. Review status: criteria provided, single submitter. Criteria: Invitae Variant Classification Sherloc (09022015). Collection method: clinical testing. Allele origin: germline.
Comment: This variant, c.1020_1043dup, results in the insertion of 8 amino acid(s) of the SP110 protein (p.Cys342_Glu349dup), but otherwise preserves the integrity of the reading frame. This variant is present in population databases (rs769621341, gnomAD 0.01%). This variant has not been reported in the literature in individuals affected with SP110-related conditions. ClinVar contains an entry for this variant (Variation ID: 992484). Experimental studies and prediction algorithms are not available or were not evaluated, and the functional significance of this variant is currently unknown. In summary, the available evidence is currently insufficient to determine the role of this variant in disease. Therefore, it has been classified as a Variant of Uncertain Significance.

Center for Genomics, Ann and Robert H. Lurie Children's Hospital of Chicago
Classification: Uncertain significance for Mycobacterium tuberculosis, susceptibility to; Hepatic veno-occlusive disease-immunodeficiency syndrome. Review status: criteria provided, single submitter. Criteria: ACMG Guidelines, 2015. Collection method: clinical testing. Allele origin: germline.
Comment: SP110 NM_004509.3 exon 9 p.Cys342_Glu349dup (c.1020_1043dup):This variant has not been reported in the literature but is present in 0.01% (15/129168) of Finnish alleles in the Genome Aggregation Database. Evolutionary conservation and computational predictive tools for this variant are limited or unavailable. This variant represents an in-frame duplication of 8 amino acids at position 342 and is not predicted to alter the reading frame. However, the effect of this variant on the protein is unclear. In summary, data on this variant is insufficient for disease classification. Therefore, the clinical significance of this variant is uncertain.

NM_080424.4(SP110):c.1020_1043dup (p.Cys342_Glu349dup)

Genes: SP110 (SP110 nuclear body protein; minus strand), SP140 (SP140 nuclear body protein; plus strand). Cytogenetic location: 2q37.1.
Variant type: Duplication.
Coding change: c.1020_1043dup on transcript NM_080424.4 (MANE Select); coding-DNA positions 1020 to 1043, 24 bases duplicated (TGAATGTGCCCGAAAGTCGAGATC).
Protein change: p.Cys342_Glu349dup.
Molecular consequence: inframe insertion. On other transcripts: intron variant (1).
Genome position (GRCh38, 1-based): chr2:230,202,584-230,202,607, GATCTCGACTTTCGGGCACATTCA duplicated on the plus strand (TGAATGTGCCCGAAAGTCGAGATC on the coding strand, the reverse complement: SP110 is on the minus strand); duplicating any 24 consecutive bases within chr2:230,202,584-230,202,608 gives the same sequence; the c. name uses the placement nearest the transcript's 3' end. VCF-style (leftmost placement, unchanged base first): chr2-230202583-T-TGATCTCGACTTTCGGGCACATTCA. GRCh37 (hg19) VCF-style: chr2-231067299-T-TGATCTCGACTTTCGGGCACATTCA.
Other names: c.1038_1061dup, p.Cys348_Glu355dup (NM_001185015.2, NM_001378442.1, NM_001378444.1 and 2 more transcripts); c.1020_1043dup, p.Cys342_Glu349dup (NM_001378443.1, NM_004510.4, NM_004509.5); c.899-1642_899-1619dup (NM_001378447.1).
Identifiers: ClinVar variation 992484 (VCV000992484.9), dbSNP rs769621341, ClinGen allele CA2154654.